The following is an entry in ClinVar:

ClinVar aggregate classification (germline): Uncertain significance (1 of 4 stars; one submission).

Submission:

Labcorp Genetics (formerly Invitae), Labcorp
Classification: Uncertain significance. Last evaluated: 2023-11-27. Review status: criteria provided, single submitter. Criteria: Invitae Variant Classification Sherloc (09022015). Collection method: clinical testing. Allele origin: germline.
Comment: This sequence change creates a premature translational stop signal (p.Thr393Leufs*6) in the A2ML1 gene. It is expected to result in an absent or disrupted protein product. However, the current clinical and genetic evidence is not sufficient to establish whether loss-of-function variants in A2ML1 cause disease. This variant is not present in population databases (gnomAD no frequency). This variant has not been reported in the literature in individuals affected with A2ML1-related conditions. ClinVar contains an entry for this variant (Variation ID: 1000414). In summary, the available evidence is currently insufficient to determine the role of this variant in disease. Therefore, it has been classified as a Variant of Uncertain Significance.

NM_144670.6(A2ML1):c.1176del (p.Thr393fs)

Gene: A2ML1 (alpha-2-macroglobulin like 1; plus strand). Cytogenetic location: 12p13.31.
Variant type: Deletion.
Coding change: c.1176del on transcript NM_144670.6 (MANE Select); coding-DNA position 1176, one base deleted (T; older notation c.1176delT).
Protein change: p.Thr393fs; shifts the reading frame from threonine 393.
Molecular consequence: frameshift variant.
Genome position (GRCh38, 1-based): chr12:8,841,464, T deleted; the last of 2 consecutive T bases (chr12:8,841,463-8,841,464); deleting either gives the same sequence. VCF-style (leftmost placement, unchanged base first): chr12-8841462-GT-G. GRCh37 (hg19) VCF-style: chr12-8994058-GT-G.
Other names: short protein forms T393fs.
Identifiers: ClinVar variation 1000414 (VCV001000414.7), dbSNP rs1943477947, ClinGen allele CA2015229565.